The following is an entry in ClinVar:

ClinVar aggregate classification (germline): Uncertain significance (1 of 4 stars; one submission).

Conditions:
Arthrogryposis, distal, type 2B2. Identifiers: MedGen C5193097, MONDO:0032750, OMIM 618435.

Allele frequency attached by ClinVar (database versions not stated): gnomAD exomes below 0.00001; TOPMed below 0.00001; gnomAD 0.00001.
gnomAD v4.1: 7 of 1,612,674 alleles (0.00043%); highest among the groups gnomAD compares: East Asian, 0.0067%; no homozygotes.

Submission:

Foundation for Research in Genetics and Endocrinology, FRIGE's Institute of Human Genetics
Classification: Uncertain significance for Arthrogryposis, distal, type 2B2. Last evaluated: 2024-02-09. Review status: criteria provided, single submitter. Criteria: ACMG Guidelines, 2015. Collection method: clinical testing. Allele origin: germline. Inheritance: Autosomal dominant inheritance. Affected: yes. Observed: 1 heterozygote.
Comment: A heterozygous missense variant in exon 11 of the TNNT3 gene that results in the amino acid substitution of Histidine for Arginine at codon 100 (p.Arg100His) was detected. The variant has not been reported in the 1000 genomes and our internal databases and has a minor allele frequency of 0.001%, 0.0004% and 0.0004% in the gnomAD (v3.1), gnomdAD (v2.1) and topmed databases respectively. The in-silico prediction of the variant are damaging by PolyPhen-2 (HumDiv), SIFT, LRT and MutationTaster2. The reference codon is conserved across species. In summary, the variant meets our criteria to be classified as a variant of uncertain significance.

NM_006757.4(TNNT3):c.299G>A (p.Arg100His)

Gene: TNNT3 (troponin T3, fast skeletal type; plus strand). Cytogenetic location: 11p15.5.
Variant type: single nucleotide variant.
Coding change: c.299G>A on transcript NM_006757.4 (MANE Select); coding-DNA position 299, G replaced by A.
Protein change: p.Arg100His; replaces arginine 100 with histidine.
Molecular consequence: missense variant.
Genome position (GRCh38, 1-based): chr11:1,933,941, G>A. VCF-style: chr11-1933941-G-A. GRCh37 (hg19) VCF-style: chr11-1955171-G-A.
Other names: p.Arg100His; c.275G>A, p.Arg92His (NM_001042780.3, NM_001042782.3, NM_001297646.2 and 2 more transcripts); c.293G>A, p.Arg98His (NM_001042781.3, NM_001367842.1, NM_001367843.1); c.308G>A, p.Arg103His (NM_001363561.2, NM_001367847.1); c.332G>A, p.Arg111His (NM_001367846.1); c.296G>A, p.Arg99His (NM_001367848.1); c.287G>A, p.Arg96His (NM_001367849.1); c.242G>A, p.Arg81His (NM_001367850.1); and 1 more; short protein forms R100H, R103H, R111H, R32H, R81H, R92H, R96H, R98H.
Identifiers: ClinVar variation 3061940 (VCV003061940.1), dbSNP rs1208387518, ClinGen allele CA379096842.
Genomic context (GRCh38, chr11:1,933,941, plus strand): 5'-CTCGGAGGAGCCGGGGACAGGGCTGAGCAGACCCCCTTCTCTGGCTGCAGGAGAAGCGCC[G>A]TGCAGAGAGAGCGGAGCAGCAGAGGATTCGTGCAGAGAAGGAGAGGGAGCGCCAGAACAG-3'
Protein context (NP_006748.1, residues 90-110): VALKERIEKR[Arg100His]AERAEQQRIR